The following is an entry in ClinVar:

NM_001385641.1(SAMD11):c.1195+48G>A

Gene: SAMD11 (sterile alpha motif domain containing 11; plus strand). Cytogenetic location: 1p36.33.
Variant type: single nucleotide variant.
Coding change: c.1195+48G>A on transcript NM_001385641.1 (MANE Select); 48 bases into the intron after coding-DNA position 1195, G replaced by A.
Molecular consequence: intron variant. On other transcripts: missense variant (1).
Genome position (GRCh38, 1-based): chr1:939,460, G>A. VCF-style: chr1-939460-G-A. GRCh37 (hg19) VCF-style: chr1-874840-G-A.
Other names: c.706G>A, p.Asp236Asn (NM_152486.4); c.1198+48G>A (NM_001385640.1); short protein forms D236N.
Identifiers: ClinVar variation 2185615 (VCV002185615.1), dbSNP rs199902603, ClinGen allele CA502750.

ClinVar aggregate classification (germline): Uncertain significance (1 of 4 stars; one submission).

Allele frequency attached by ClinVar (database versions not stated): gnomAD 0.00002; gnomAD exomes 0.00003; TOPMed 0.00003; ExAC 0.00010; 1000 Genomes Project 0.00020.

Submission:

Labcorp Genetics (formerly Invitae), Labcorp
Classification: Uncertain significance. Last evaluated: 2022-04-06. Review status: criteria provided, single submitter. Criteria: Invitae Variant Classification Sherloc (09022015). Collection method: clinical testing. Allele origin: germline.
Comment: This sequence change replaces aspartic acid, which is acidic and polar, with asparagine, which is neutral and polar, at codon 236 of the SAMD11 protein (p.Asp236Asn). This variant also falls at the last nucleotide of exon 7, which is part of the consensus splice site for this exon. This variant is present in population databases (rs199902603, gnomAD 0.07%). This variant has not been reported in the literature in individuals affected with SAMD11-related conditions. Algorithms developed to predict the effect of missense changes on protein structure and function (SIFT, PolyPhen-2, Align-GVGD) all suggest that this variant is likely to be tolerated. Variants that disrupt the consensus splice site are a relatively common cause of aberrant splicing (PMID: 17576681, 9536098). Algorithms developed to predict the effect of sequence changes on RNA splicing suggest that this variant may disrupt the consensus splice site. In summary, the available evidence is currently insufficient to determine the role of this variant in disease. Therefore, it has been classified as a Variant of Uncertain Significance.

Literature cited by the submitters: PubMed 17576681; PubMed 9536098.